The following is an entry in ClinVar:

ClinVar aggregate classification (germline): Uncertain significance. Review status: criteria provided, multiple submitters, no conflicts (2 of 4 stars). 3 submissions from 3 submitters: Uncertain significance (3). Last evaluated 2025-07-31.

Conditions:
RAI1-related disorder. Also called: RAI1-related condition.
Inborn genetic diseases. Identifiers: MedGen C0950123, MeSH D030342.

Allele frequency attached by ClinVar (database versions not stated): gnomAD 0.00001; gnomAD exomes 0.00001; TOPMed 0.00002.
gnomAD v4.1: 9 of 1,600,452 alleles (0.00056%); highest among the groups gnomAD compares: Non-Finnish European, 0.00077%; no homozygotes.

Submissions (3):

Labcorp Genetics (formerly Invitae), Labcorp
Classification: Uncertain significance. Last evaluated: 2025-07-31. Review status: criteria provided, single submitter. Criteria: Invitae Variant Classification Sherloc (09022015). Collection method: clinical testing. Allele origin: germline.
Comment: This sequence change replaces aspartic acid, which is acidic and polar, with glycine, which is neutral and non-polar, at codon 1012 of the RAI1 protein (p.Asp1012Gly). This variant is not present in population databases (gnomAD no frequency). This variant has not been reported in the literature in individuals affected with RAI1-related conditions. ClinVar contains an entry for this variant (Variation ID: 2169518). Invitae Evidence Modeling of protein sequence and biophysical properties (such as structural, functional, and spatial information, amino acid conservation, physicochemical variation, residue mobility, and thermodynamic stability) indicates that this missense variant is not expected to disrupt RAI1 protein function with a negative predictive value of 80%. In summary, the available evidence is currently insufficient to determine the role of this variant in disease. Therefore, it has been classified as a Variant of Uncertain Significance.

PreventionGenetics, part of Exact Sciences
Classification: Uncertain significance for RAI1-related condition. Last evaluated: 2025-04-11. Review status: criteria provided, single submitter. Criteria: ACMG Guidelines, 2015. Collection method: clinical testing. Allele origin: germline.
Comment: The RAI1 c.3035A>G variant is predicted to result in the amino acid substitution p.Asp1012Gly. To our knowledge, this variant has not been reported in the literature or in a large population database (gnomAD), indicating this variant is rare. At this time, the clinical significance of this variant is uncertain due to the absence of conclusive functional and genetic evidence.

Ambry Genetics
Classification: Uncertain significance for Inborn genetic diseases. Last evaluated: 2023-03-13. Review status: criteria provided, single submitter. Criteria: Ambry Variant Classification Scheme 2023. Collection method: clinical testing. Allele origin: germline.

NM_030665.4(RAI1):c.3035A>G (p.Asp1012Gly)

Gene: RAI1 (retinoic acid induced 1; plus strand). Cytogenetic location: 17p11.2.
Variant type: single nucleotide variant.
Coding change: c.3035A>G on transcript NM_030665.4 (MANE Select); coding-DNA position 3035, A replaced by G.
Protein change: p.Asp1012Gly; replaces aspartic acid 1012 with glycine.
Molecular consequence: missense variant.
Genome position (GRCh38, 1-based): chr17:17,795,983, A>G. VCF-style: chr17-17795983-A-G. GRCh37 (hg19) VCF-style: chr17-17699297-A-G.
Other names: c.3035A>G (NM_030665.3); short protein forms D1012G.
Identifiers: ClinVar variation 2169518 (VCV002169518.7), dbSNP rs1339822252, ClinGen allele CA398552767.
Genomic context (GRCh38, chr17:17,795,983, plus strand): 5'-TGCCACGGGGCAAAAGCTTACGGAGCCGTCGGGTGCACCGGGGGCTGCCCGAGGCCGAGG[A>G]CTCCCCATGCAGGGCACCAGTGCTGCCCAAAGACCTCTTGCTCCCTGAATCCTGCACAGG-3'
Protein context (NP_109590.3, residues 1002-1022): RVHRGLPEAE[Asp1012Gly]SPCRAPVLPK